The following is an entry in ClinVar:

NM_018027.5(FRMD4A):c.1284C>T (p.Pro428=)

Gene: FRMD4A (FERM domain containing 4A; minus strand). Cytogenetic location: 10p13.
Variant type: single nucleotide variant.
Coding change: c.1284C>T on transcript NM_018027.5 (MANE Select); coding-DNA position 1284, C replaced by T.
Protein change: p.Pro428=; no amino-acid change (proline 428 retained).
Molecular consequence: synonymous variant.
Genome position (GRCh38, 1-based): chr10:13,670,496, G>A on the plus strand (C>T on the coding strand, the complement: FRMD4A is on the minus strand). VCF-style: chr10-13670496-G-A. GRCh37 (hg19) VCF-style: chr10-13712496-G-A.
Other names: c.1332C>T, p.Pro444= (NM_001318336.2); c.1383C>T, p.Pro461= (NM_001318337.2); c.357C>T, p.Pro119= (NM_001318338.2).
Identifiers: ClinVar variation 3039928 (VCV003039928.2), dbSNP rs2542377789, ClinGen allele CA468264014.
Genomic context (GRCh38, chr10:13,670,496, plus strand): 5'-CAGTTTGAAGGCTGTTCCTATTCTTCTCCGAACAATGGGTGGTTCCTCCCCTGGATCCAG[G>A]GGATATTCTACTGGCAGCTTGCCCGTGAGCTCCTGCATATGTGAAATGGCATTCGGAGTG-3'
Protein context (NP_060497.3, residues 418-438): ELTGKLPVEY[Pro428=]LDPGEEPPIV

ClinVar aggregate classification (germline): Likely benign (0 of 4 stars; one submission).

Conditions:
FRMD4A-related disorder. Also called: FRMD4A-related condition.

Submission:

PreventionGenetics, part of Exact Sciences
Classification: Likely benign for FRMD4A-related condition. Last evaluated: 2019-09-17. Review status: no assertion criteria provided. Collection method: clinical testing. Allele origin: germline.
Comment: This variant is classified as likely benign based on ACMG/AMP sequence variant interpretation guidelines (Richards et al. 2015 PMID: 25741868, with internal and published modifications).